The following is an entry in ClinVar:

NM_005220.3(DLX3):c.278G>A (p.Arg93Gln)

Gene: DLX3 (distal-less homeobox 3; minus strand). Cytogenetic location: 17q21.33.
Variant type: single nucleotide variant.
Coding change: c.278G>A on transcript NM_005220.3 (MANE Select); coding-DNA position 278, G replaced by A.
Protein change: p.Arg93Gln; replaces arginine 93 with glutamine.
Molecular consequence: missense variant.
Genome position (GRCh38, 1-based): chr17:49,994,721, C>T on the plus strand (G>A on the coding strand, the complement: DLX3 is on the minus strand). VCF-style: chr17-49994721-C-T. GRCh37 (hg19) VCF-style: chr17-48072085-C-T.
Other names: short protein forms R93Q.
Identifiers: ClinVar variation 1919551 (VCV001919551.5), dbSNP rs146270612, ClinGen allele CA8641083.

ClinVar aggregate classification (germline): Uncertain significance (1 of 4 stars; one submission).

Allele frequency attached by ClinVar (database versions not stated): gnomAD exomes 0.00001; TOPMed 0.00001; ExAC 0.00002; ESP Exome Variant Server 0.00008.
gnomAD v4.1: 13 of 1,614,126 alleles (0.00081%); highest among the groups gnomAD compares: Admixed American, 0.0067%; no homozygotes.

Submission:

Labcorp Genetics (formerly Invitae), Labcorp
Classification: Uncertain significance. Last evaluated: 2022-06-13. Review status: criteria provided, single submitter. Criteria: Invitae Variant Classification Sherloc (09022015). Collection method: clinical testing. Allele origin: germline.
Comment: In summary, the available evidence is currently insufficient to determine the role of this variant in disease. Therefore, it has been classified as a Variant of Uncertain Significance. Algorithms developed to predict the effect of missense changes on protein structure and function (SIFT, PolyPhen-2, Align-GVGD) all suggest that this variant is likely to be disruptive. This variant has not been reported in the literature in individuals affected with DLX3-related conditions. This variant is present in population databases (rs146270612, gnomAD 0.01%). This sequence change replaces arginine, which is basic and polar, with glutamine, which is neutral and polar, at codon 93 of the DLX3 protein (p.Arg93Gln).